The following is an entry in ClinVar:

NM_002439.5(MSH3):c.1057G>A (p.Ala353Thr)

Gene: MSH3 (mutS homolog 3; plus strand). Cytogenetic location: 5q14.1.
Variant type: single nucleotide variant.
Coding change: c.1057G>A on transcript NM_002439.5 (MANE Select); coding-DNA position 1057, G replaced by A.
Protein change: p.Ala353Thr; replaces alanine 353 with threonine.
Molecular consequence: missense variant.
Genome position (GRCh38, 1-based): chr5:80,675,012, G>A. VCF-style: chr5-80675012-G-A. GRCh37 (hg19) VCF-style: chr5-79970831-G-A.
Other names: short protein forms A353T.
Identifiers: ClinVar variation 1512483 (VCV001512483.9), dbSNP rs1749806720, ClinGen allele CA360267923.
Genomic context (GRCh38, chr5:80,675,012, plus strand): 5'-CATATAATTATTTTTCTTTAATTATTATTAAATGTGAATCCCCTAATCAAGCTGGATGAT[G>A]CTGTAAATGTTGATGAGATAATGACTGATACTTCTACCAGCTATCTTCTGTGCATCTCTG-3'
Protein context (NP_002430.3, residues 343-363): DVNPLIKLDD[Ala353Thr]VNVDEIMTDT

ClinVar aggregate classification (germline): Uncertain significance. Review status: criteria provided, multiple submitters, no conflicts (2 of 4 stars). 3 submissions from 3 submitters: Uncertain significance (3). Last evaluated 2025-12-15.

Conditions:
Hereditary cancer-predisposing syndrome. Also called: Hereditary neoplastic syndrome; Neoplastic Syndromes, Hereditary; Tumor predisposition; Hereditary Cancer Syndrome. Identifiers: Orphanet 140162, MedGen C0027672, MeSH D009386, MONDO:0015356.
Endometrial carcinoma. Also called: Endometrial carcinoma, somatic. Identifiers: MedGen C0476089, MONDO:0002447, OMIM 608089, HP:0012114.

Submissions (3):

Labcorp Genetics (formerly Invitae), Labcorp
Classification: Uncertain significance. Last evaluated: 2025-12-15. Review status: criteria provided, single submitter. Criteria: Invitae Variant Classification Sherloc (09022015). Collection method: clinical testing. Allele origin: germline.
Comment: This sequence change replaces alanine, which is neutral and non-polar, with threonine, which is neutral and polar, at codon 353 of the MSH3 protein (p.Ala353Thr). This variant is not present in population databases (gnomAD no frequency). This variant has not been reported in the literature in individuals affected with MSH3-related conditions. ClinVar contains an entry for this variant (Variation ID: 1512483). An algorithm developed to predict the effect of missense changes on protein structure and function outputs the following: PolyPhen-2: "Benign". The threonine amino acid residue is found in multiple mammalian species, which suggests that this missense change does not adversely affect protein function. RNA analysis performed to evaluate the impact of this missense change on mRNA splicing indicates it does not significantly alter splicing (internal data). In summary, the available evidence is currently insufficient to determine the role of this variant in disease. Therefore, it has been classified as a Variant of Uncertain Significance.

Ambry Genetics
Classification: Uncertain significance for Hereditary cancer-predisposing syndrome. Last evaluated: 2023-10-10. Review status: criteria provided, single submitter. Criteria: Ambry Variant Classification Scheme 2023. Collection method: clinical testing. Allele origin: germline.
Comment: The p.A353T variant (also known as c.1057G>A), located in coding exon 7 of the MSH3 gene, results from a G to A substitution at nucleotide position 1057. The alanine at codon 353 is replaced by threonine, an amino acid with similar properties. This amino acid position is not well conserved in available vertebrate species. In addition, this alteration is predicted to be tolerated by in silico analysis. Since supporting evidence is limited at this time, the clinical significance of this alteration remains unclear.

Baylor Genetics
Classification: Uncertain significance for Endometrial carcinoma. Last evaluated: 2023-10-10. Review status: criteria provided, single submitter. Criteria: ACMG Guidelines, 2015. Collection method: clinical testing. Allele origin: unknown.